The following is an entry in ClinVar:

ClinVar aggregate classification (germline): Benign (1 of 4 stars; one submission).

Allele frequency attached by ClinVar (database versions not stated): gnomAD 0.24703 and 0.25374; TOPMed 0.26336; 1000 Genomes Project 30x 0.35337; 1000 Genomes Project 0.35843.

Submission:

GeneDx
Classification: Benign. Last evaluated: 2018-06-14. Review status: criteria provided, single submitter. Criteria: GeneDx Variant Classification (06012015). Collection method: clinical testing. Allele origin: germline. Affected: yes.
Comment: This variant is considered likely benign or benign based on one or more of the following criteria: it is a conservative change, it occurs at a poorly conserved position in the protein, it is predicted to be benign by multiple in silico algorithms, and/or has population frequency not consistent with disease.

NM_177550.5(SLC13A5):c.547+165dup

Gene: SLC13A5 (solute carrier family 13 member 5; minus strand). Cytogenetic location: 17p13.1.
Variant type: Duplication.
Coding change: c.547+165dup on transcript NM_177550.5 (MANE Select); 165 bases into the intron after coding-DNA position 547, one base duplicated (A; older notation c.547+165dupA).
Molecular consequence: intron variant.
Genome position (GRCh38, 1-based): chr17:6,703,713, T duplicated on the plus strand (A on the coding strand, the reverse complement: SLC13A5 is on the minus strand). VCF-style (leftmost placement, unchanged base first): chr17-6703712-C-CT. GRCh37 (hg19) VCF-style: chr17-6607031-C-CT.
Other names: c.418+165dup (NM_001284510.2); c.496+165dup (NM_001284509.2); c.547+165dup (NM_001143838.3); c.547+165dupA (NM_177550.4).
Identifiers: ClinVar variation 670095 (VCV000670095.1), dbSNP rs76135761, ClinGen allele CA287396313.